The following is an entry in ClinVar:

ClinVar aggregate classification (germline): Uncertain significance. Review status: criteria provided, multiple submitters, no conflicts (2 of 4 stars). 3 submissions from 3 submitters: Uncertain significance (3). Last evaluated 2024-04-16.

Conditions:
Inborn genetic diseases. Identifiers: MedGen C0950123, MeSH D030342.
Nephronophthisis. Also called: Juvenile Nephronophthisis. Identifiers: Orphanet 655, MedGen C0687120, MONDO:0019005, HP:0000090.
NPHP3-related Meckel-like syndrome. Also called: Meckel syndrome type 7; GOLDSTON SYNDROME. Identifiers: Orphanet 3032, MedGen C2673885, MONDO:0009966, OMIM 267010.
Renal-hepatic-pancreatic dysplasia 1 (RHPD1). Identifiers: MedGen C3715199, MONDO:0008833, OMIM 208540.
Nephronophthisis 3 (NPHP3). Also called: Adolescent nephronophthisis. Identifiers: Orphanet 655, MedGen C1858392, MONDO:0011456, OMIM 604387.

Allele frequency attached by ClinVar (database versions not stated): gnomAD 0.00001 and 0.00003; TOPMed 0.00001; gnomAD exomes 0.00004 and 0.00005; ExAC 0.00005.
gnomAD v4.1: 63 of 1,613,860 alleles (0.0039%); highest among the groups gnomAD compares: South Asian, 0.011%; 1 homozygote.

Submissions (3):

Fulgent Genetics
Classification: Uncertain significance for Renal-hepatic-pancreatic dysplasia 1; NPHP3-related Meckel-like syndrome; Nephronophthisis 3. Last evaluated: 2024-04-16. Review status: criteria provided, single submitter. Criteria: ACMG Guidelines, 2015. Collection method: clinical testing. Allele origin: germline.

Ambry Genetics
Classification: Uncertain significance for Inborn genetic diseases. Last evaluated: 2023-03-07. Review status: criteria provided, single submitter. Criteria: Ambry Variant Classification Scheme 2023. Collection method: clinical testing. Allele origin: germline.

Labcorp Genetics (formerly Invitae), Labcorp
Classification: Uncertain significance for Nephronophthisis. Last evaluated: 2021-08-30. Review status: criteria provided, single submitter. Criteria: Invitae Variant Classification Sherloc (09022015). Collection method: clinical testing. Allele origin: germline.
Comment: This sequence change replaces asparagine with serine at codon 218 of the NPHP3 protein (p.Asn218Ser). The asparagine residue is highly conserved and there is a small physicochemical difference between asparagine and serine. This variant is present in population databases (rs199956251, ExAC 0.01%). This variant has not been reported in the literature in individuals affected with NPHP3-related conditions. ClinVar contains an entry for this variant (Variation ID: 1013960). Algorithms developed to predict the effect of missense changes on protein structure and function output the following: SIFT: "Deleterious"; PolyPhen-2: "Benign"; Align-GVGD: "Class C0". The serine amino acid residue is found in multiple mammalian species, which suggests that this missense change does not adversely affect protein function. In summary, the available evidence is currently insufficient to determine the role of this variant in disease. Therefore, it has been classified as a Variant of Uncertain Significance.

NM_153240.5(NPHP3):c.653A>G (p.Asn218Ser)

Genes: NPHP3 (nephrocystin 3; minus strand), NPHP3-ACAD11 (NPHP3-ACAD11 readthrough (NMD candidate); minus strand). Cytogenetic location: 3q22.1.
Variant type: single nucleotide variant.
Coding change: c.653A>G on transcript NM_153240.5 (MANE Select); coding-DNA position 653, A replaced by G.
Protein change: p.Asn218Ser; replaces asparagine 218 with serine.
Molecular consequence: missense variant. On other transcripts: non-coding transcript variant (1).
Genome position (GRCh38, 1-based): chr3:132,719,011, T>C on the plus strand (A>G on the coding strand, the complement: NPHP3 is on the minus strand). VCF-style: chr3-132719011-T-C. GRCh37 (hg19) VCF-style: chr3-132437855-T-C.
Other names: c.653A>G (NM_153240.4); short protein forms N218S.
Identifiers: ClinVar variation 1013960 (VCV001013960.6), dbSNP rs199956251, ClinGen allele CA2622547.